The following is an entry in ClinVar:

NM_001035.3(RYR2):c.10035G>A (p.Arg3345=)

Gene: RYR2 (ryanodine receptor 2; plus strand). Cytogenetic location: 1q43.
Variant type: single nucleotide variant.
Coding change: c.10035G>A on transcript NM_001035.3 (MANE Select); coding-DNA position 10035, G replaced by A.
Protein change: p.Arg3345=; no amino-acid change (arginine 3345 retained).
Molecular consequence: synonymous variant.
Genome position (GRCh38, 1-based): chr1:237,708,991, G>A. VCF-style: chr1-237708991-G-A. GRCh37 (hg19) VCF-style: chr1-237872291-G-A.
Other names: c.10035G>A, p.Arg3345= (LRG_402t1).
Identifiers: ClinVar variation 264295 (VCV000264295.66), dbSNP rs754976419, ClinGen allele CA084095.

ClinVar aggregate classification (germline): Conflicting classifications of pathogenicity. Review status: criteria provided, conflicting classifications (1 of 4 stars). 11 submissions from 10 submitters: Uncertain significance (2); Benign (4); Likely benign (4). 1 of the submissions does not count toward it. Last evaluated 2026-06-01.

Conditions:
RYR2-related disorder. Also called: RYR2-related condition.
Cardiovascular phenotype. Identifiers: MedGen CN230736.
Catecholaminergic polymorphic ventricular tachycardia (CVPT). Also called: Catecholamine-induced polymorphic ventricular tachycardia. Identifiers: Orphanet 3286, MedGen C5574922, MONDO:0017990.
Cardiomyopathy (CMYO). Also called: Cardiomyopathies. Identifiers: Orphanet 167848, MedGen C0878544, MONDO:0004994, HP:0001638. Inheritance: Various modes of inheritance.
Catecholaminergic polymorphic ventricular tachycardia 1. Also called: RYR2-Related Catecholaminergic Polymorphic Ventricular Tachycardia; VENTRICULAR TACHYCARDIA, CATECHOLAMINERGIC POLYMORPHIC, 1, WITH OR WITHOUT ATRIAL DYSFUNCTION AND/OR DILATED CARDIOMYOPATHY; VENTRICULAR TACHYCARDIA, STRESS-INDUCED POLYMORPHIC 1. Identifiers: Orphanet 3286, MedGen C1631597, MONDO:0011484, OMIM 604772.
Arrhythmogenic right ventricular dysplasia 2. Identifiers: MedGen C1832931.

Allele frequency attached by ClinVar (database versions not stated): TOPMed 0.00003; gnomAD 0.00004.
gnomAD v4.1: 48 of 1,613,696 alleles (0.003%); highest among the groups gnomAD compares: East Asian, 0.022%; no homozygotes.

Submissions (11):

CeGaT Center for Human Genetics Tuebingen
Classification: Likely benign. Last evaluated: 2026-06-01. Review status: criteria provided, single submitter. Criteria: CeGaT Center For Human Genetics Tuebingen Variant Classification Criteria Version 2. Collection method: clinical testing. Allele origin: germline. Affected: yes. Observed: 1 variant allele.
Comment: RYR2: BP4, BP7

Labcorp Genetics (formerly Invitae), Labcorp
Classification: Likely benign for Catecholaminergic polymorphic ventricular tachycardia 1. Last evaluated: 2026-01-17. Review status: criteria provided, single submitter. Criteria: Invitae Variant Classification Sherloc (09022015). Collection method: clinical testing. Allele origin: germline.

Women's Health and Genetics/Laboratory Corporation of America, LabCorp
Classification: Benign. Last evaluated: 2025-06-23. Review status: criteria provided, single submitter. Criteria: LabCorp Variant Classification Summary - May 2015. Collection method: clinical testing. Allele origin: germline.

All of Us Research Program, National Institutes of Health
Classification: Benign for Catecholaminergic polymorphic ventricular tachycardia. Last evaluated: 2023-12-13. Review status: criteria provided, single submitter. Criteria: ACMG Guidelines, 2015. Collection method: clinical testing. Allele origin: germline. Inheritance: Autosomal dominant inheritance. Observed: 14 variant alleles, 14 heterozygotes.
Comment: This study involves interpretation of variants in research participants for the purpose of population health screening. Participant phenotype was not available at the time of variant classification. Additional details can be found in publication PMID: 35346344, PMCID: PMC8962531

Blueprint Genetics
Classification: Likely benign. Last evaluated: 2023-05-08. Review status: criteria provided, single submitter. Criteria: ACMG Guidelines, 2015. Collection method: clinical testing. Allele origin: germline.

Color Diagnostics, LLC DBA Color Health
Classification: Benign for Cardiomyopathy. Last evaluated: 2018-11-27. Review status: criteria provided, single submitter. Criteria: ACMG Guidelines, 2015. Collection method: clinical testing. Allele origin: germline.

Illumina Laboratory Services, Illumina
Classification: Uncertain significance for Catecholaminergic polymorphic ventricular tachycardia 1. Last evaluated: 2018-01-13. Review status: criteria provided, single submitter. Criteria: ICSL Variant Classification Criteria 13 December 2019. Collection method: clinical testing. Allele origin: germline.

Illumina Laboratory Services, Illumina
Classification: Uncertain significance for Catecholaminergic polymorphic ventricular tachycardia 1. Last evaluated: 2018-01-13. Review status: criteria provided, single submitter. Criteria: ICSL Variant Classification Criteria 13 December 2019. Collection method: clinical testing. Allele origin: germline.

GeneDx
Classification: Benign. Last evaluated: 2015-11-09. Review status: criteria provided, single submitter. Criteria: GeneDx Variant Classification (06012015). Collection method: clinical testing. Allele origin: germline. Affected: yes.
Comment: This variant is considered likely benign or benign based on one or more of the following criteria: it is a conservative change, it occurs at a poorly conserved position in the protein, it is predicted to be benign by multiple in silico algorithms, and/or has population frequency not consistent with disease.

Ambry Genetics
Classification: Likely benign for Cardiovascular phenotype. Last evaluated: 2015-09-04. Review status: criteria provided, single submitter. Criteria: Ambry Variant Classification Scheme 2023. Collection method: clinical testing. Allele origin: germline.

PreventionGenetics, part of Exact Sciences
Classification: Likely benign for RYR2-related condition. Last evaluated: 2023-10-17. Review status: no assertion criteria provided. Collection method: clinical testing. Allele origin: germline. Not counted in ClinVar's aggregate classification.
Comment: This variant is classified as likely benign based on ACMG/AMP sequence variant interpretation guidelines (Richards et al. 2015 PMID: 25741868, with internal and published modifications).